The following is an entry in ClinVar:

NM_000173.7(GP1BA):c.775G>A (p.Val259Met)

Gene: GP1BA (glycoprotein Ib platelet subunit alpha; plus strand). Cytogenetic location: 17p13.2.
Variant type: single nucleotide variant.
Coding change: c.775G>A on transcript NM_000173.7 (MANE Select); coding-DNA position 775, G replaced by A.
Protein change: p.Val259Met; replaces valine 259 with methionine.
Molecular consequence: missense variant.
Genome position (GRCh38, 1-based): chr17:4,933,379, G>A. VCF-style: chr17-4933379-G-A. GRCh37 (hg19) VCF-style: chr17-4836674-G-A.
Other names: c.775G>A (NM_000173.6); short protein forms V259M.
Identifiers: ClinVar variation 3101037 (VCV003101037.3), dbSNP rs749788312, ClinGen allele CA8314828.
Genomic context (GRCh38, chr17:4,933,379, plus strand): 5'-AATGCTGAAAATGTCTACGTATGGAAGCAAGGTGTGGACGTCAAGGCCATGACCTCTAAC[G>A]TGGCCAGTGTGCAGTGTGACAATTCAGACAAGTTTCCCGTCTACAAATACCCAGGAAAGG-3'
Protein context (NP_000164.5, residues 249-269): GVDVKAMTSN[Val259Met]ASVQCDNSDK

ClinVar aggregate classification (germline): Uncertain significance. Review status: criteria provided, multiple submitters, no conflicts (2 of 4 stars). 3 submissions from 3 submitters: Uncertain significance (3). Last evaluated 2026-06-23.

Conditions:
GP1BA-related disorder. Also called: GP1BA-related condition.
Inborn genetic diseases. Identifiers: MedGen C0950123, MeSH D030342.

Allele frequency attached by ClinVar (database versions not stated): TOPMed 0.00004; gnomAD 0.00005.
gnomAD v4.1: 132 of 1,613,630 alleles (0.0082%); highest among the groups gnomAD compares: Middle Eastern, 0.016%; no homozygotes.

Submissions (3):

PreventionGenetics, part of Exact Sciences
Classification: Uncertain significance for GP1BA-related condition. Last evaluated: 2026-06-23. Review status: criteria provided, single submitter. Criteria: ACMG Guidelines, 2015. Collection method: clinical testing. Allele origin: germline.
Comment: The GP1BA c.775G>A variant is predicted to result in the amino acid substitution p.Val259Met. To our knowledge, this variant has not been reported in the literature. This variant is reported in 0.040% of alleles in individuals of Ashkenazi Jewish descent in gnomAD. At this time, the clinical significance of this variant is uncertain due to the absence of conclusive functional and genetic evidence.

Women's Health and Genetics/Laboratory Corporation of America, LabCorp
Classification: Uncertain significance. Last evaluated: 2026-06-11. Review status: criteria provided, single submitter. Criteria: LabCorp Variant Classification Summary - May 2015. Collection method: clinical testing. Allele origin: germline.
Comment: Variant summary: GP1BA c.775G>A (p.Val259Met) results in a conservative amino acid change in the encoded protein sequence. Algorithms developed to predict the effect of missense changes on protein structure and function all suggest that this variant is likely to be tolerated. The variant allele was found at a frequency of 4e-05 in 249272 control chromosomes. This frequency is not significantly higher than estimated for disease-causing variants in GP1BA, allowing no conclusion about variant significance. To our knowledge, no occurrence of c.775G>A in individuals affected with GP1BA-related conditions and no experimental evidence demonstrating its impact on protein function have been reported. ClinVar contains an entry for this variant (Variation ID: 3101037). Based on the evidence outlined above, the variant was classified as uncertain significance.

Ambry Genetics
Classification: Uncertain significance for Inborn genetic diseases. Last evaluated: 2023-11-07. Review status: criteria provided, single submitter. Criteria: Ambry Variant Classification Scheme 2023. Collection method: clinical testing. Allele origin: germline.